The following is an entry in ClinVar:

NM_000051.4(ATM):c.6108T>C (p.Tyr2036=)

Genes: ATM (ATM serine/threonine kinase; plus strand), C11orf65 (chromosome 11 open reading frame 65; minus strand). Cytogenetic location: 11q22.3.
Variant type: single nucleotide variant.
Coding change: c.6108T>C on transcript NM_000051.4 (MANE Select); coding-DNA position 6108, T replaced by C.
Protein change: p.Tyr2036=; no amino-acid change (tyrosine 2036 retained).
Molecular consequence: synonymous variant. On other transcripts: intron variant (2).
Genome position (GRCh38, 1-based): chr11:108,316,023, T>C. VCF-style: chr11-108316023-T-C. GRCh37 (hg19) VCF-style: chr11-108186750-T-C.
Other names: c.6108T>C, p.Tyr2036= (NM_001351834.2); c.641-6952A>G (NM_001330368.2); c.*39-6952A>G (NM_001351110.2).
Identifiers: ClinVar variation 185724 (VCV000185724.54), dbSNP rs3092826, ClinGen allele CA192745.
Genomic context (GRCh38, chr11:108,316,023, plus strand): 5'-TTATGTGTGTGTAAAACCCAAAGCTATTTTCACAATCTTTTCTTATAGACTACGAACATA[T>C]GAACACGAAGCAATGTGGGGCAAAGCCCTAGTAACATATGACCTCGAAACAGCAATCCCC-3'
Protein context (NP_000042.3, residues 2026-2046): MLQPITRLRT[Tyr2036=]EHEAMWGKAL

ClinVar aggregate classification (germline): Conflicting classifications of pathogenicity. Review status: criteria provided, conflicting classifications (1 of 4 stars). 14 submissions from 14 submitters: Uncertain significance (1); Benign (5); Likely benign (5). 3 of the submissions do not count toward it. Last evaluated 2026-02-03.

Conditions:
Hereditary cancer-predisposing syndrome. Also called: Hereditary Cancer Syndrome; Tumor predisposition; Neoplastic Syndromes, Hereditary; Hereditary neoplastic syndrome. Identifiers: Orphanet 140162, MedGen C0027672, MeSH D009386, MONDO:0015356.
Ataxia-telangiectasia syndrome (AT). Also called: ATAXIA-TELANGIECTASIA, COMPLEMENTATION GROUP A; ATAXIA-TELANGIECTASIA, FRESNO VARIANT; Ataxia-telangiectasia; Ataxia-telangiectasia, complementation group E; Cerebello-oculocutaneous telangiectasia; Immunodeficiency with ataxia telangiectasia. Identifiers: Orphanet 100, MedGen C0004135, MONDO:0008840, OMIM 208900.
Familial cancer of breast. Also called: hereditary breast carcinoma; BREAST CANCER, FAMILIAL; Hereditary breast cancer. Identifiers: Orphanet 227535, MedGen C0346153, MONDO:0016419, OMIM 114480. Disease mechanism: loss of function.
Malignant tumor of breast. Also called: Malignant breast neoplasm; Cancer breast. Identifiers: MedGen C0006142, MONDO:0007254. Disease mechanism: loss of function.

Allele frequency attached by ClinVar (database versions not stated): gnomAD 0.00017 and 0.00024; TOPMed 0.00031; gnomAD exomes 0.00027 and 0.00011; 1000 Genomes Project 0.00080; ExAC 0.00022; 1000 Genomes Project 30x 0.00062.
gnomAD v4.1: 212 of 1,614,160 alleles (0.013%); highest among the groups gnomAD compares: East Asian, 0.4%; no homozygotes.

Submissions (14):

Labcorp Genetics (formerly Invitae), Labcorp
Classification: Benign for Ataxia-telangiectasia syndrome. Last evaluated: 2026-02-03. Review status: criteria provided, single submitter. Criteria: Invitae Variant Classification Sherloc (09022015). Collection method: clinical testing. Allele origin: germline.

Center for Genomic Medicine, Rigshospitalet, Copenhagen University Hospital
Classification: Likely benign. Last evaluated: 2025-03-04. Review status: criteria provided, single submitter. Criteria: ACMG Guidelines, 2015. Collection method: clinical testing. Allele origin: germline.
Comment: Classification criteria: BS1+BP4+BP7

Blueprint Genetics
Classification: Likely benign. Last evaluated: 2024-10-28. Review status: criteria provided, single submitter. Criteria: ACMG Guidelines, 2015. Collection method: clinical testing. Allele origin: germline.

Myriad Genetics, Inc.
Classification: Benign for Familial cancer of breast. Last evaluated: 2024-06-03. Review status: criteria provided, single submitter. Criteria: Myriad Autosomal Dominant, Autosomal Recessive and X-Linked Classification Criteria (2023). Collection method: clinical testing. Allele origin: unknown.
Comment: This variant is considered benign. This variant is a silent/synonymous amino acid change and it is not expected to impact splicing.

CeGaT Center for Human Genetics Tuebingen
Classification: Likely benign. Last evaluated: 2024-05-01. Review status: criteria provided, single submitter. Criteria: CeGaT Center For Human Genetics Tuebingen Variant Classification Criteria Version 2. Collection method: clinical testing. Allele origin: germline. Affected: yes. Observed: 1 variant allele.
Comment: ATM: BP4, BP7

Sema4
Classification: Benign for Hereditary cancer-predisposing syndrome. Last evaluated: 2020-08-04. Review status: criteria provided, single submitter. Criteria: Sema4 Curation Guidelines. Collection method: curation. Allele origin: germline.

Women's Health and Genetics/Laboratory Corporation of America, LabCorp
Classification: Benign. Last evaluated: 2019-05-17. Review status: criteria provided, single submitter. Criteria: LabCorp Variant Classification Summary - May 2015. Collection method: clinical testing. Allele origin: germline.
Comment: Variant summary: ATM c.6108T>C alters a non-conserved nucleotide resulting in a synonymous change. The variant allele was found at a frequency of 0.00027 in 251388 control chromosomes, predominantly within the East Asian subpopulation at a frequency of 0.0034 in the gnomAD database. The observed variant frequency within East Asian control individuals in the gnomAD database is approximately 3-fold of the estimated maximal expected allele frequency for a pathogenic variant in ATM causing Breast Cancer phenotype (0.001), strongly suggesting that the variant is a benign polymorphism found primarily in populations of East Asian origin. Moreover, the variant was also reported in Japanese healthy controls with an even higher frequency (i.e. 0.005), further supporting that the variant is a benign polymorphism found primarily in populations of East Asian origin (HGVD). In a recent case-control association study the variant was found at a similar frequency in female breast cancer patients (44/7051) and controls (67/11241) of Japanese ancestry, and the variant was indicated to be not associated with an increased cancer risk (OR: 1.0) (Momozawa 2018). To our knowledge, no experimental evidence demonstrating an impact on protein function has been reported. Two clinical diagnostic laboratories have submitted clinical-significance assessments for this variant to ClinVar after 2014 without evidence for independent evaluation, and classified the variant as benign (1x) / likely benign (1x). Based on the evidence outlined above, the variant was classified as benign.

Illumina Laboratory Services, Illumina
Classification: Uncertain significance for Ataxia-telangiectasia syndrome. Last evaluated: 2017-04-28. Review status: criteria provided, single submitter. Criteria: ICSL Variant Classification Criteria 13 December 2019. Collection method: clinical testing. Allele origin: germline.
Comment: This variant was observed as part of a predisposition screen in an ostensibly healthy population. A literature search was performed for the gene, cDNA change, and amino acid change (where applicable). Publications were found based on this search. However, the evidence from the literature, in combination with allele frequency data from public databases where available, was not sufficient to rule this variant in or out of causing disease. Therefore, this variant is classified as a variant of unknown significance.

Color Diagnostics, LLC DBA Color Health
Classification: Likely benign for Hereditary cancer-predisposing syndrome. Last evaluated: 2015-10-19. Review status: criteria provided, single submitter. Criteria: ACMG Guidelines, 2015. Collection method: clinical testing. Allele origin: germline.

GeneDx
Classification: Benign. Last evaluated: 2015-03-03. Review status: criteria provided, single submitter. Criteria: GeneDx Variant Classification Process June 2021. Collection method: clinical testing. Allele origin: germline. Affected: yes.

Ambry Genetics
Classification: Likely benign for Hereditary cancer-predisposing syndrome. Last evaluated: 2014-07-30. Review status: criteria provided, single submitter. Criteria: Ambry Variant Classification Scheme 2023. Collection method: clinical testing. Allele origin: germline.

Department of Pathology and Laboratory Medicine, Sinai Health System
Classification: Likely benign for Malignant tumor of breast. Review status: no assertion criteria provided. Collection method: clinical testing. Allele origin: unknown. Affected: yes. Study: The Canadian Open Genetics Repository (COGR). Not counted in ClinVar's aggregate classification.
Comment: The ATM p.Tyr2036= variant was not identified in the literature nor was it identified in the GeneInsight-COGR, MutDB, LOVD 3.0, databases. The variant was identified in dbSNP (ID: rs3092826) as â€šÃ„ÃºWith Likely benign allele ", ClinVar (classified as benign by Invitae; as likely benign by Ambry Genetics, Color Genomics, Integrated Genetics/Laboratory Corporation of America), and in Cosmic (1x in Large intestine) databases. The variant was identified in control databases in 73 of 277148 chromosomes at a frequency of 0.00026 increasing the likelihood this could be a low frequency benign variant (Genome Aggregation Database Feb 27, 2017). The variant was observed in the following populations: African in 1 of 24032 chromosomes (freq: 0.00004), Other in 1 of 6464 chromosomes (freq: 0.0002), Latino in 1 of 34416 chromosomes (freq: 0.00003), East Asian in 69 of 18844 chromosomes (freq: 0.004), and South Asian in 1 of 30780 chromosomes (freq: 0.00003), while the variant was not observed in the European, Ashkenazi Jewish, and Finnish populations. The p.Tyr2036= variant is not expected to have clinical significance because it does not result in a change of amino acid and is not located in a known consensus splice site. In addition, in silico or computational prediction software programs (SpliceSiteFinder, MaxEntScan, NNSPLICE, GeneSplicer, HumanSpliceFinder) do not predict a difference in splicing. In summary, based on the above information the clinical significance of this variant cannot be determined with certainty at this time although we would lean towards a more benign role for this variant. This variant is classified as likely benign.

Diagnostic Laboratory, Department of Genetics, University Medical Center Groningen
Classification: Likely benign. Review status: no assertion criteria provided. Collection method: clinical testing. Allele origin: germline. Affected: yes. Study: VKGL Data-share Consensus. Not counted in ClinVar's aggregate classification.

Joint Genome Diagnostic Labs from Nijmegen and Maastricht, Radboudumc and MUMC+
Classification: Likely benign. Review status: no assertion criteria provided. Collection method: clinical testing. Allele origin: germline. Affected: yes. Study: VKGL Data-share Consensus. Not counted in ClinVar's aggregate classification.

Literature cited by the submitters: PubMed 11443540 (cited by Women's Health and Genetics/Laboratory Corporation of America, LabCorp); PubMed 17132159 (cited by Women's Health and Genetics/Laboratory Corporation of America, LabCorp); PubMed 24951259 (cited by Women's Health and Genetics/Laboratory Corporation of America, LabCorp); PubMed 30287823 (cited by Women's Health and Genetics/Laboratory Corporation of America, LabCorp); PubMed 20077034 (cited by Illumina Laboratory Services, Illumina).